The following is an entry in ClinVar:

NM_138806.4(CD200R1):c.54CTT[1] (p.Phe19del)

Gene: CD200R1 (CD200 receptor 1; minus strand). Cytogenetic location: 3q13.2.
Variant type: Microsatellite.
Coding change: c.54CTT[1] on transcript NM_138806.4 (MANE Select); one copy of the 3-base unit CTT starting at c.54; the reference has two copies in a row; one copy, 3 bases deleted.
Protein change: p.Phe19del; deletes phenylalanine 19.
Molecular consequence: inframe deletion.
Genome position (GRCh38, 1-based): chr3:112,974,799-112,974,801, AAG deleted on the plus strand (CTT on the coding strand, the reverse complement: CD200R1 is on the minus strand); deleting any 3 consecutive bases within chr3:112,974,799-112,974,805 gives the same sequence; the position shown is the placement nearest the transcript's 3' end. VCF-style (leftmost placement, unchanged base first): chr3-112974798-TAAG-T. GRCh37 (hg19) VCF-style: chr3-112693645-TAAG-T.
Other names: c.54CTT[1], p.Phe19del (NM_138939.3, NM_138940.3, NM_170780.3); short protein forms F19del.
Identifiers: ClinVar variation 3387829 (VCV003387829.14).
Genomic context (GRCh38, chr3:112,974,798, plus strand): 5'-GAAGAGCTGAGACCAGGTTTCTCACTGTTCTCCCAAAGAGAATTCAAACTTACCGGCCAC[TAAG>T]AAGATAGTCAAAATCAACAGTAGCCCTAGGTTAGCAGTTCTCCAAGGGCAGAGCATTTCT-3'

ClinVar aggregate classification (germline): Benign (1 of 4 stars; one submission).

Submission:

CeGaT Center for Human Genetics Tuebingen
Classification: Benign. Last evaluated: 2024-11-01. Review status: criteria provided, single submitter. Criteria: CeGaT Center For Human Genetics Tuebingen Variant Classification Criteria Version 2. Collection method: clinical testing. Allele origin: germline. Affected: yes. Observed: 1 variant allele.
Comment: CD200R1: PM4:Supporting, BS1, BS2